The following is an entry in ClinVar:

NM_021629.4(GNB4):c.367A>C (p.Ile123Leu)

Gene: GNB4 (G protein subunit beta 4; minus strand). Cytogenetic location: 3q26.33.
Variant type: single nucleotide variant.
Coding change: c.367A>C on transcript NM_021629.4 (MANE Select); coding-DNA position 367, A replaced by C.
Protein change: p.Ile123Leu; replaces isoleucine 123 with leucine.
Molecular consequence: missense variant.
Genome position (GRCh38, 1-based): chr3:179,414,948, T>G on the plus strand (A>C on the coding strand, the complement: GNB4 is on the minus strand). VCF-style: chr3-179414948-T-G. GRCh37 (hg19) VCF-style: chr3-179132736-T-G.
Other names: short protein forms I123L.
Identifiers: ClinVar variation 4761017 (VCV004761017.1).

ClinVar aggregate classification (germline): Uncertain significance (1 of 4 stars; one submission).

Conditions:
Charcot-Marie-Tooth disease dominant intermediate F. Identifiers: Orphanet 352670, MedGen C4749463, MONDO:0014074, OMIM 615185.

gnomAD v4.1: 3 of 1,611,812 alleles (0.00019%); highest among the groups gnomAD compares: South Asian, 0.0011%; no homozygotes.

Submission:

Labcorp Genetics (formerly Invitae), Labcorp
Classification: Uncertain significance for Charcot-Marie-Tooth disease dominant intermediate F. Last evaluated: 2025-06-02. Review status: criteria provided, single submitter. Criteria: Invitae Variant Classification Sherloc (09022015). Collection method: clinical testing. Allele origin: germline.
Comment: This sequence change replaces isoleucine, which is neutral and non-polar, with leucine, which is neutral and non-polar, at codon 123 of the GNB4 protein (p.Ile123Leu). The frequency data for this variant in the population databases is considered unreliable, as metrics indicate poor data quality at this position in the gnomAD database. This variant has not been reported in the literature in individuals affected with GNB4-related conditions. Invitae Evidence Modeling of protein sequence and biophysical properties (such as structural, functional, and spatial information, amino acid conservation, physicochemical variation, residue mobility, and thermodynamic stability) indicates that this missense variant is not expected to disrupt GNB4 protein function with a negative predictive value of 95%. In summary, the available evidence is currently insufficient to determine the role of this variant in disease. Therefore, it has been classified as a Variant of Uncertain Significance.